The following is an entry in ClinVar:

ClinVar aggregate classification (germline): Benign (1 of 4 stars; one submission).

Allele frequency attached by ClinVar (database versions not stated): gnomAD 0.17840; gnomAD exomes 0.18986; 1000 Genomes Project 0.46486.
gnomAD v4.1: 96,418 of 511,866 alleles (19%); highest among the groups gnomAD compares: East Asian, 48%; 19,325 homozygotes.

Submission:

Unidad de Genómica Garrahan, Hospital de Pediatría Garrahan
Classification: Benign. Last evaluated: 2023-11-12. Review status: criteria provided, single submitter. Criteria: ACMG Guidelines, 2015. Collection method: clinical testing. Allele origin: germline. Affected: no. Observed: 37 variant alleles.
Comment: This variant is classified as Benign based on local population frequency. This variant was detected in 39% of patients studied by a panel of primary immunodeficiencies. Number of patients: 37. Only high quality variants are reported.

NM_001243133.2(NLRP3):c.2322-129A>G

Gene: NLRP3 (NLR family pyrin domain containing 3; plus strand). Cytogenetic location: 1q44.
Variant type: single nucleotide variant.
Coding change: c.2322-129A>G on transcript NM_001243133.2 (MANE Select); 129 bases into the intron before coding-DNA position 2322, A replaced by G.
Molecular consequence: intron variant.
Genome position (GRCh38, 1-based): chr1:247,433,974, A>G. VCF-style: chr1-247433974-A-G. GRCh37 (hg19) VCF-style: chr1-247597276-A-G.
Other names: c.2328-129A>G (NM_004895.5); c.2322-129A>G (NM_001127461.3, NM_001079821.3); c.2151-129A>G (NM_001127462.3, NM_183395.3).
Identifiers: ClinVar variation 2628215 (VCV002628215.2), dbSNP rs77795397, ClinGen allele CA40703487.
Genomic context (GRCh38, chr1:247,433,974, plus strand): 5'-CTATTCCGGAGCTCTCTGGTCAGGTGTGTTCTGATGCTTTCTGTATTCCGGAGCTCTCTG[A>G]TCAGATGTGTTCTGATGCTTTCTCTATTCCGGAGCTTCCTGATCAGGTGTGTCCTGATGC-3'